The following is an entry in ClinVar:

NM_012418.4(FSCN2):c.421G>T (p.Ala141Ser)

Gene: FSCN2 (fascin actin-bundling protein 2, retinal; plus strand). Cytogenetic location: 17q25.3.
Variant type: single nucleotide variant.
Coding change: c.421G>T on transcript NM_012418.4 (MANE Select); coding-DNA position 421, G replaced by T.
Protein change: p.Ala141Ser; replaces alanine 141 with serine.
Molecular consequence: missense variant.
Genome position (GRCh38, 1-based): chr17:81,528,952, G>T. VCF-style: chr17-81528952-G-T. GRCh37 (hg19) VCF-style: chr17-79495978-G-T.
Other names: c.421G>T, p.Ala141Ser (NM_001077182.3); short protein forms A141S.
Identifiers: ClinVar variation 3688630 (VCV003688630.2).

ClinVar aggregate classification (germline): Uncertain significance (1 of 4 stars; one submission).

gnomAD v4.1: 1 of 1,590,382 alleles (0.000063%); highest among the groups gnomAD compares: South Asian, 0.0011%; no homozygotes.

Submission:

Labcorp Genetics (formerly Invitae), Labcorp
Classification: Uncertain significance. Last evaluated: 2024-04-03. Review status: criteria provided, single submitter. Criteria: Invitae Variant Classification Sherloc (09022015). Collection method: clinical testing. Allele origin: germline.
Comment: This sequence change replaces alanine, which is neutral and non-polar, with serine, which is neutral and polar, at codon 141 of the FSCN2 protein (p.Ala141Ser). This variant is not present in population databases (gnomAD no frequency). This variant has not been reported in the literature in individuals affected with FSCN2-related conditions. An algorithm developed to predict the effect of missense changes on protein structure and function (PolyPhen-2) suggests that this variant is likely to be disruptive. In summary, the available evidence is currently insufficient to determine the role of this variant in disease. Therefore, it has been classified as a Variant of Uncertain Significance.